The following is an entry in ClinVar:

ClinVar aggregate classification (germline): Conflicting classifications of pathogenicity. Review status: criteria provided, conflicting classifications (1 of 4 stars). 3 submissions from 2 submitters: Uncertain significance (1); Benign (1); Likely benign (1). Last evaluated 2021-08-21.

Conditions:
Optic atrophy 3 (OPA3). Also called: OPTIC ATROPHY 3, AUTOSOMAL DOMINANT; Optic atrophy, cataract, and neurologic disorder; Optic atrophy 3 with cataract. Identifiers: Orphanet 67036, MedGen C1833809, MONDO:0008133, OMIM 165300.
3-Methylglutaconic aciduria type 3 (MGCA3). Also called: OPA3, AUTOSOMAL RECESSIVE; OPTIC ATROPHY 3, AUTOSOMAL RECESSIVE; Costeff Syndrome; OPA3-Related 3-Methylglutaconic Aciduria. Identifiers: Orphanet 67047, MedGen C0574084, MONDO:0009787, OMIM 258501.

Allele frequency attached by ClinVar (database versions not stated): gnomAD exomes 0.00028; 1000 Genomes Project 0.00180; 1000 Genomes Project 30x 0.00219; gnomAD 0.00419 and 0.00462; TOPMed 0.00508.
gnomAD v4.1: 880 of 985,370 alleles (0.089%); highest among the groups gnomAD compares: African/African-American, 1.4%; 7 homozygotes.

Submissions (3):

GeneDx
Classification: Likely benign. Last evaluated: 2021-08-21. Review status: criteria provided, single submitter. Criteria: GeneDx Variant Classification Process June 2021. Collection method: clinical testing. Allele origin: germline. Affected: yes.

Illumina Laboratory Services, Illumina
Classification: Uncertain significance for 3-Methylglutaconic aciduria type 3. Last evaluated: 2018-01-12. Review status: criteria provided, single submitter. Criteria: ICSL Variant Classification Criteria 13 December 2019. Collection method: clinical testing. Allele origin: germline.

Illumina Laboratory Services, Illumina
Classification: Benign for Optic atrophy 3. Last evaluated: 2018-01-12. Review status: criteria provided, single submitter. Criteria: ICSL Variant Classification Criteria 13 December 2019. Collection method: clinical testing. Allele origin: germline.
Comment: This variant was observed in the ICSL laboratory as part of a predisposition screen in an ostensibly healthy population. It had not been previously curated by ICSL or reported in the Human Gene Mutation Database (HGMD: prior to June 1st, 2018), and was therefore a candidate for classification through an automated scoring system. Utilizing variant allele frequency, disease prevalence and penetrance estimates, and inheritance mode, an automated score was calculated to assess if this variant is too frequent to cause the disease. Based on the score and internal cut-off values, a variant classified as benign is not then subjected to further curation. The score for this variant resulted in a classification of benign for this disease.

NM_025136.4(OPA3):c.*4954C>T

Genes: OPA3 (outer mitochondrial membrane lipid metabolism regulator OPA3; minus strand), OPA3-RTN2 (OPA3-RTN2 readthrough; minus strand). Cytogenetic location: 19q13.32.
Variant type: single nucleotide variant.
Coding change: c.*4954C>T on transcript NM_025136.4 (MANE Select); 4954 bases downstream of the stop codon, C replaced by T.
Molecular consequence: 3 prime UTR variant. On other transcripts: intron variant (1).
Genome position (GRCh38, 1-based): chr19:45,548,560, G>A on the plus strand (C>T on the coding strand, the complement: OPA3 is on the minus strand). VCF-style: chr19-45548560-G-A. GRCh37 (hg19) VCF-style: chr19-46051818-G-A.
Other names: c.143-19104C>T (NM_001017989.3).
Identifiers: ClinVar variation 329590 (VCV000329590.6), dbSNP rs146646433, ClinGen allele CA10642976.
Genomic context (GRCh38, chr19:45,548,560, plus strand): 5'-CTATGGGGTGGGGCAGGGAACACTGGAAAAGAAATGTACGTGTGAGCATCTGTAAGACCC[G>A]GTGACGGCAGGGCTGGGGCTGTCTCTGTCACCACTGTGACCCCAGCATAGGGTGGGGCAG-3'